The following is an entry in ClinVar:

NM_178526.5(SLC25A42):c.442C>G (p.Leu148Val)

Gene: SLC25A42 (solute carrier family 25 member 42; plus strand). Cytogenetic location: 19p13.11.
Variant type: single nucleotide variant.
Coding change: c.442C>G on transcript NM_178526.5 (MANE Select); coding-DNA position 442, C replaced by G.
Protein change: p.Leu148Val; replaces leucine 148 with valine.
Molecular consequence: missense variant.
Genome position (GRCh38, 1-based): chr19:19,106,330, C>G. VCF-style: chr19-19106330-C-G. GRCh37 (hg19) VCF-style: chr19-19217139-C-G.
Other names: c.442C>G, p.Leu148Val (NM_001321544.2); short protein forms L148V.
Identifiers: ClinVar variation 2110188 (VCV002110188.2), dbSNP rs757578000, ClinGen allele CA9321486.

ClinVar aggregate classification (germline): Uncertain significance (1 of 4 stars; one submission).

Allele frequency attached by ClinVar (database versions not stated): ExAC 0.00002; gnomAD exomes 0.00001; gnomAD 0.00001.
gnomAD v4.1: 20 of 1,613,720 alleles (0.0012%); highest among the groups gnomAD compares: South Asian, 0.022%; no homozygotes.

Submission:

Labcorp Genetics (formerly Invitae), Labcorp
Classification: Uncertain significance. Last evaluated: 2026-01-19. Review status: criteria provided, single submitter. Criteria: Invitae Variant Classification Sherloc (09022015). Collection method: clinical testing. Allele origin: germline.
Comment: This sequence change replaces leucine, which is neutral and non-polar, with valine, which is neutral and non-polar, at codon 148 of the SLC25A42 protein (p.Leu148Val). This variant is present in population databases (rs757578000, gnomAD 0.02%). This variant has not been reported in the literature in individuals affected with SLC25A42-related conditions. ClinVar contains an entry for this variant (Variation ID: 2110188). Invitae Evidence Modeling of protein sequence and biophysical properties (such as structural, functional, and spatial information, amino acid conservation, physicochemical variation, residue mobility, and thermodynamic stability) indicates that this missense variant is not expected to disrupt SLC25A42 protein function with a negative predictive value of 80%. In summary, the available evidence is currently insufficient to determine the role of this variant in disease. Therefore, it has been classified as a Variant of Uncertain Significance.